The following is an entry in ClinVar:

NM_004725.4(BUB3):c.780T>G (p.Ile260Met)

Gene: BUB3 (BUB3 mitotic checkpoint protein; plus strand). Cytogenetic location: 10q26.13.
Variant type: single nucleotide variant.
Coding change: c.780T>G on transcript NM_004725.4 (MANE Select); coding-DNA position 780, T replaced by G.
Protein change: p.Ile260Met; replaces isoleucine 260 with methionine.
Molecular consequence: missense variant.
Genome position (GRCh38, 1-based): chr10:123,162,637, T>G. VCF-style: chr10-123162637-T-G. GRCh37 (hg19) VCF-style: chr10-124922153-T-G.
Other names: c.780T>G, p.Ile260Met (NM_001007793.3); short protein forms I260M.
Identifiers: ClinVar variation 3483282 (VCV003483282.1).

ClinVar aggregate classification (germline): Uncertain significance (1 of 4 stars; one submission).

Submission:

Ambry Genetics
Classification: Uncertain significance. Last evaluated: 2024-08-17. Review status: criteria provided, single submitter. Criteria: Ambry Variant Classification Scheme 2023. Collection method: clinical testing. Allele origin: germline.
Comment: The p.I260M variant (also known as c.780T>G), located in coding exon 6 of the BUB3 gene, results from a T to G substitution at nucleotide position 780. The isoleucine at codon 260 is replaced by methionine, an amino acid with highly similar properties. This amino acid position is conserved. In addition, the in silico prediction for this alteration is inconclusive. Based on the available evidence, the clinical significance of this variant remains unclear.